The following is an entry in ClinVar:

ClinVar aggregate classification (germline): Uncertain significance (1 of 4 stars; one submission).

Conditions:
Mowat-Wilson syndrome (MOWS). Also called: Classic Mowat-Wilson Syndrome. Identifiers: Orphanet 2152, MedGen C1856113, MONDO:0009341, OMIM 235730.

Submission:

Labcorp Genetics (formerly Invitae), Labcorp
Classification: Uncertain significance for Mowat-Wilson syndrome. Last evaluated: 2022-03-11. Review status: criteria provided, single submitter. Criteria: Invitae Variant Classification Sherloc (09022015). Collection method: clinical testing. Allele origin: germline.
Comment: This variant is not present in population databases (gnomAD no frequency). This variant has not been reported in the literature in individuals affected with ZEB2-related conditions. Algorithms developed to predict the effect of missense changes on protein structure and function are either unavailable or do not agree on the potential impact of this missense change (SIFT: "Deleterious"; PolyPhen-2: "Benign"; Align-GVGD: "Class C15"). In summary, the available evidence is currently insufficient to determine the role of this variant in disease. Therefore, it has been classified as a Variant of Uncertain Significance. This sequence change replaces isoleucine, which is neutral and non-polar, with asparagine, which is neutral and polar, at codon 551 of the ZEB2 protein (p.Ile551Asn).

NM_014795.4(ZEB2):c.1652T>A (p.Ile551Asn)

Gene: ZEB2 (zinc finger E-box binding homeobox 2; minus strand). Cytogenetic location: 2q22.3.
Variant type: single nucleotide variant.
Coding change: c.1652T>A on transcript NM_014795.4 (MANE Select); coding-DNA position 1652, T replaced by A.
Protein change: p.Ile551Asn; replaces isoleucine 551 with asparagine.
Molecular consequence: missense variant.
Genome position (GRCh38, 1-based): chr2:144,399,535, A>T on the plus strand (T>A on the coding strand, the complement: ZEB2 is on the minus strand). VCF-style: chr2-144399535-A-T. GRCh37 (hg19) VCF-style: chr2-145157102-A-T.
Other names: c.1580T>A, p.Ile527Asn (NM_001171653.2); short protein forms I527N, I551N.
Identifiers: ClinVar variation 2108795 (VCV002108795.4), dbSNP rs2549106611, ClinGen allele CA348710500.